The following is an entry in ClinVar:

ClinVar aggregate classification (germline): Uncertain significance (1 of 4 stars; one submission).

Conditions:
Long QT syndrome 10 (LQT10). Identifiers: Orphanet 101016, Orphanet 768, MedGen C2678484, MONDO:0012737, OMIM 611819.

Submission:

Labcorp Genetics (formerly Invitae), Labcorp
Classification: Uncertain significance for Long QT syndrome 10. Last evaluated: 2025-02-04. Review status: criteria provided, single submitter. Criteria: Invitae Variant Classification Sherloc (09022015). Collection method: clinical testing. Allele origin: germline.
Comment: This sequence change affects codon 24 of the SCN4B mRNA. It is a 'silent' change, meaning that it does not change the encoded amino acid sequence of the SCN4B protein. This variant is not present in population databases (gnomAD no frequency). This variant has not been reported in the literature in individuals affected with SCN4B-related conditions. Algorithms developed to predict the effect of sequence changes on RNA splicing suggest that this variant may disrupt the consensus splice site. In summary, the available evidence is currently insufficient to determine the role of this variant in disease. Therefore, it has been classified as a Variant of Uncertain Significance.

NM_174934.4(SCN4B):c.70C>T (p.Leu24=)

Genes: SCN4B (sodium voltage-gated channel beta subunit 4; minus strand), LOC130006838 (ATAC-STARR-seq lymphoblastoid active region 5583; plus strand). Cytogenetic location: 11q23.3.
Variant type: single nucleotide variant.
Coding change: c.70C>T on transcript NM_174934.4 (MANE Select); coding-DNA position 70, C replaced by T.
Protein change: p.Leu24=; no amino-acid change (leucine 24 retained).
Molecular consequence: synonymous variant. On other transcripts: 5 prime UTR variant (1), non-coding transcript variant (1), intron variant (1).
Genome position (GRCh38, 1-based): chr11:118,145,221, G>A on the plus strand (C>T on the coding strand, the complement: SCN4B is on the minus strand). VCF-style: chr11-118145221-G-A. GRCh37 (hg19) VCF-style: chr11-118015936-G-A.
Other names: c.-261C>T (NM_001142349.2); c.62-3885C>T (NM_001142348.2).
Identifiers: ClinVar variation 4761406 (VCV004761406.1).
Genomic context (GRCh38, chr11:118,145,221, plus strand): 5'-CAGCGTAGATGTCGGTGGCCTTTCCCACAGACACCTCCAGCGACAGGGTTACGGGGAGCA[G>A]GAAGAGGCCTGTGTAAGGAGCACCGCCTCCCTTAATAAAACCCCACCAGCCTGGAGCTCT-3'
Protein context (NP_777594.1, residues 14-34): WLGTGLLGLF[Leu24=]LPVTLSLEVS